The following is an entry in ClinVar:

NM_000208.4(INSR):c.3472C>T (p.Arg1158Trp)

Gene: INSR (insulin receptor; minus strand). Cytogenetic location: 19p13.2.
Variant type: single nucleotide variant.
Coding change: c.3472C>T on transcript NM_000208.4 (MANE Select); coding-DNA position 3472, C replaced by T.
Protein change: p.Arg1158Trp; replaces arginine 1158 with tryptophan.
Molecular consequence: missense variant.
Genome position (GRCh38, 1-based): chr19:7,122,671, G>A on the plus strand (C>T on the coding strand, the complement: INSR is on the minus strand). VCF-style: chr19-7122671-G-A. GRCh37 (hg19) VCF-style: chr19-7122682-G-A.
Other names: c.3436C>T, p.Arg1146Trp (NM_001079817.3); c.3472C>T (NM_000208.2); short protein forms R1158W, R1146W.
Identifiers: ClinVar variation 2736766 (VCV002736766.5), dbSNP rs111993466, ClinGen allele CA304871320.

ClinVar aggregate classification (germline): Conflicting classifications of pathogenicity. Review status: criteria provided, conflicting classifications (1 of 4 stars). 3 submissions from 3 submitters: Likely pathogenic (2); Uncertain significance (1). Last evaluated 2025-05-05.

Conditions:
Inborn genetic diseases. Identifiers: MedGen C0950123, MeSH D030342.
INSR-related disorder.

Allele frequency attached by ClinVar (database versions not stated): gnomAD exomes below 0.00001.
gnomAD v4.1: 2 of 1,614,130 alleles (0.00012%); highest among the groups gnomAD compares: Non-Finnish European, 0.000085%; no homozygotes.

Submissions (3):

Ambry Genetics
Classification: Likely pathogenic for Inborn genetic diseases. Last evaluated: 2025-05-05. Review status: criteria provided, single submitter. Criteria: Ambry Variant Classification Scheme 2023. Collection method: clinical testing. Allele origin: germline.
Comment: The c.3472C>T (p.R1158W) alteration is located in exon 19 (coding exon 19) of the INSR gene. This alteration results from a C to T substitution at nucleotide position 3472, causing the arginine (R) at amino acid position 1158 to be replaced by a tryptophan (W). for autosomal dominant INSR-related hyperinsulinemia; however, its clinical significance for autosomal recessive INSR-related severe syndromic insulin resistance is uncertain. This variant was not reported in population-based cohorts in the Genome Aggregation Database (gnomAD). This variant was reported in individuals with features consistent with autosomal dominant INSR-related hyperinsulinemia (Ros, 2015, Krishnamurthy, 2016; Takasawa, 2019; You, 2022; Collin-Chavagnac, 2025). This variant has also been identified in conjunction with other INSR variants in individuals with features consistent with autosomal recessive INSR-related severe syndromic insulin resistance; in at least one instance, the variants were identified in trans (Longo, 1999; Longo 2002). This amino acid position is highly conserved in available vertebrate species. Based on internal structural analysis, this variant is anticipated to result in a significant decrease in structural stability (Ambry internal data). In an assay testing INSR function, this variant showed a functionally abnormal result (Longo, 2002). This alteration is predicted to be deleterious by in silico analysis. Based on the available evidence, this alteration is classified as likely pathogenic.

Labcorp Genetics (formerly Invitae), Labcorp
Classification: Uncertain significance. Last evaluated: 2023-06-03. Review status: criteria provided, single submitter. Criteria: Invitae Variant Classification Sherloc (09022015). Collection method: clinical testing. Allele origin: germline.
Comment: In summary, the available evidence is currently insufficient to determine the role of this variant in disease. Therefore, it has been classified as a Variant of Uncertain Significance. Experimental studies have shown that this missense change affects INSR function (PMID: 12023989). Advanced modeling of protein sequence and biophysical properties (such as structural, functional, and spatial information, amino acid conservation, physicochemical variation, residue mobility, and thermodynamic stability) performed at Invitae indicates that this missense variant is expected to disrupt INSR protein function. This variant is also known as p.Arg1131Trp. This missense change has been observed in individual(s) with autosomal dominant familial hyperinsulinism and autosomal recessive Rabson-Mendenhall syndrome (PMID: 10443650, 12023989, 25027621, 27505086, 29877041, 35634501). It has also been observed to segregate with disease in related individuals. This variant is not present in population databases (gnomAD no frequency). This sequence change replaces arginine, which is basic and polar, with tryptophan, which is neutral and slightly polar, at codon 1158 of the INSR protein (p.Arg1158Trp).

Blueprint Genetics
Classification: Likely pathogenic for INSR-related disorders. Last evaluated: 2018-05-11. Review status: criteria provided, single submitter. Criteria: ACMG Guidelines, 2015. Collection method: clinical testing. Allele origin: germline. Affected: yes. Observed: 1 variant allele.

Literature cited by the submitters: PubMed 10443650 (cited by Ambry Genetics and Labcorp Genetics (formerly Invitae), Labcorp); PubMed 12023989 (cited by Ambry Genetics and Labcorp Genetics (formerly Invitae), Labcorp); PubMed 25027621 (cited by Ambry Genetics and Labcorp Genetics (formerly Invitae), Labcorp); PubMed 27505086 (cited by Ambry Genetics and Labcorp Genetics (formerly Invitae), Labcorp); PubMed 29877041 (cited by Ambry Genetics and Labcorp Genetics (formerly Invitae), Labcorp); PubMed 35634501 (cited by Ambry Genetics and Labcorp Genetics (formerly Invitae), Labcorp); PubMed 40094207 (cited by Ambry Genetics).